The following is an entry in ClinVar:

NM_005026.5(PIK3CD):c.2395G>A (p.Val799Ile)

Gene: PIK3CD (phosphatidylinositol-4,5-bisphosphate 3-kinase catalytic subunit delta; plus strand). Cytogenetic location: 1p36.22.
Variant type: single nucleotide variant.
Coding change: c.2395G>A on transcript NM_005026.5 (MANE Select); coding-DNA position 2395, G replaced by A.
Protein change: p.Val799Ile; replaces valine 799 with isoleucine.
Molecular consequence: missense variant.
Genome position (GRCh38, 1-based): chr1:9,722,575, G>A. VCF-style: chr1-9722575-G-A. GRCh37 (hg19) VCF-style: chr1-9782633-G-A.
Other names: c.2392G>A, p.Val798Ile (NM_001350234.2); c.2308G>A, p.Val770Ile (NM_001350235.1); short protein forms V770I, V798I, V799I.
Identifiers: ClinVar variation 2074356 (VCV002074356.4), dbSNP rs778136495, ClinGen allele CA577532.

ClinVar aggregate classification (germline): Uncertain significance (1 of 4 stars; one submission).

Conditions:
Immunodeficiency 14 (IMD14A). Also called: Activated PI3K Delta Syndrome Type 1 (APDS1); p110-DELTA-ACTIVATING MUTATION CAUSING SENESCENT T CELLS, LYMPHADENOPATHY, AND IMMUNODEFICIENCY; IMMUNODEFICIENCY 14A WITH LYMPHOPROLIFERATION, AUTOSOMAL DOMINANT; ACTIVATED PI3K-DELTA SYNDROME 1. Identifiers: Orphanet 397596, Orphanet 693661, MedGen C5907821, MONDO:0014222, OMIM 615513.

Allele frequency attached by ClinVar (database versions not stated): ExAC 0.00001; gnomAD exomes 0.00001.
gnomAD v4.1: 10 of 1,613,682 alleles (0.00062%); highest among the groups gnomAD compares: Middle Eastern, 0.017%; no homozygotes.

Submission:

Labcorp Genetics (formerly Invitae), Labcorp
Classification: Uncertain significance for Activated PI3K-delta syndrome. Last evaluated: 2025-01-13. Review status: criteria provided, single submitter. Criteria: Invitae Variant Classification Sherloc (09022015). Collection method: clinical testing. Allele origin: germline.
Comment: This sequence change replaces valine, which is neutral and non-polar, with isoleucine, which is neutral and non-polar, at codon 799 of the PIK3CD protein (p.Val799Ile). This variant is present in population databases (rs778136495, gnomAD 0.006%). This variant has not been reported in the literature in individuals affected with PIK3CD-related conditions. ClinVar contains an entry for this variant (Variation ID: 2074356). Invitae Evidence Modeling of protein sequence and biophysical properties (such as structural, functional, and spatial information, amino acid conservation, physicochemical variation, residue mobility, and thermodynamic stability) indicates that this missense variant is not expected to disrupt PIK3CD protein function with a negative predictive value of 80%. In summary, the available evidence is currently insufficient to determine the role of this variant in disease. Therefore, it has been classified as a Variant of Uncertain Significance.